The following is an entry in ClinVar:

ClinVar aggregate classification (germline): Likely pathogenic (1 of 4 stars; one submission).

Conditions:
Retinitis pigmentosa 25 (RP25). Identifiers: Orphanet 791, MedGen C1864446, MONDO:0011272, OMIM 602772.

Submission:

Natera, Inc.
Classification: Likely pathogenic for Retinitis pigmentosa type 25. Last evaluated: 2024-07-10. Review status: criteria provided, single submitter. Criteria: Natera Variant Classification Schema (03/2026). Collection method: clinical testing. Allele origin: germline.
Comment: The c.2628del variant in EYS is a frameshift variant predicted to shift the reading frame and introduce a stop codon. This variant is expected to result in nonsense mediated decay, truncation, or a dysfunctional protein product. This variant is rare in the general population with a frequency below the threshold expected for the associated phenotype(s). Given the available evidence, this variant is classified as Likely Pathogenic.

NM_001142800.2(EYS):c.2628del (p.His875_Cys876insTer)

Gene: EYS (EGF-like photoreceptor maintenance factor; minus strand). Cytogenetic location: 6q12.
Variant type: Deletion.
Coding change: c.2628del on transcript NM_001142800.2 (MANE Select); coding-DNA position 2628, one base deleted (T; older notation c.2628delT).
Protein change: p.His875_Cys876insTer.
Molecular consequence: nonsense.
Genome position (GRCh38, 1-based): chr6:64,912,497, A deleted on the plus strand (T on the coding strand, the reverse complement: EYS is on the minus strand). VCF-style (leftmost placement, unchanged base first): chr6-64912496-TA-T. GRCh37 (hg19) VCF-style: chr6-65622389-TA-T.
Other names: c.2628del, p.His875_Cys876insTer (NM_001292009.2).
Identifiers: ClinVar variation 4814625 (VCV004814625.1).
Genomic context (GRCh38, chr6:64,912,496, plus strand): 5'-CTAATTAAGTAATTATTTAAAAACAATAAAATCCATATTAGCTCTTACCTTCTCTACAAA[TA>T]CAATGCTGATTTGCGTCTACCAAAGCTAAGCATGTTGAGTTGTTTCTGCAAGGGTTATGA-3'